The following is an entry in ClinVar:

ClinVar aggregate classification (germline): Uncertain significance. Review status: criteria provided, multiple submitters, no conflicts (2 of 4 stars). 3 submissions from 3 submitters: Uncertain significance (3). Last evaluated 2024-12-10.

Conditions:
Myopathy, proximal, and ophthalmoplegia (CMYO6). Also called: MYOPATHY WITH CONGENITAL JOINT CONTRACTURES, OPHTHALMOPLEGIA, AND RIMMED VACUOLES; INCLUSION BODY MYOPATHY 3, AUTOSOMAL DOMINANT; CONGENITAL MYOPATHY 6 WITH OPHTHALMOPLEGIA. Identifiers: Orphanet 363677, Orphanet 79091, MedGen C1854106, MONDO:0011577, OMIM 605637.

Allele frequency attached by ClinVar (database versions not stated): gnomAD exomes below 0.00001.
gnomAD v4.1: 1 of 1,614,106 alleles (0.000062%); highest among the groups gnomAD compares: Non-Finnish European, 0.000085%; no homozygotes.

Submissions (3):

Labcorp Genetics (formerly Invitae), Labcorp
Classification: Uncertain significance for Myopathy, proximal, and ophthalmoplegia. Last evaluated: 2024-12-10. Review status: criteria provided, single submitter. Criteria: Invitae Variant Classification Sherloc (09022015). Collection method: clinical testing. Allele origin: germline.
Comment: This sequence change replaces glycine, which is neutral and non-polar, with serine, which is neutral and polar, at codon 703 of the MYH2 protein (p.Gly703Ser). This variant is not present in population databases (gnomAD no frequency). This variant has not been reported in the literature in individuals affected with MYH2-related conditions. ClinVar contains an entry for this variant (Variation ID: 1675659). Invitae Evidence Modeling of protein sequence and biophysical properties (such as structural, functional, and spatial information, amino acid conservation, physicochemical variation, residue mobility, and thermodynamic stability) indicates that this missense variant is expected to disrupt MYH2 protein function with a positive predictive value of 80%. In summary, the available evidence is currently insufficient to determine the role of this variant in disease. Therefore, it has been classified as a Variant of Uncertain Significance.

Victorian Clinical Genetics Services, Murdoch Childrens Research Institute
Classification: Uncertain significance for Myopathy, proximal, and ophthalmoplegia. Last evaluated: 2022-03-31. Review status: criteria provided, single submitter. Criteria: ACMG Guidelines, 2015. Collection method: clinical testing. Allele origin: germline. Affected: yes.
Comment: Based on the classification scheme VCGS_Germline_v1.3.4, this variant is classified as VUS-3A. Following criteria are met: 0102 - Loss of function is a known mechanism of disease in this gene and is associated with autosomal recessive proximal myopathy and ophthalmoplegia (MIM#605637). Dominant negative is a suspected mechanism for dominant disease, however, more functional studies are required (PMID: 11114175, 20418530). (I) 0108 - This gene is associated with both recessive and dominant disease. Variants that result in a premature termination codon have been reported to cause recessive disease, while missense variants have been reported for both dominant and recessive disease (OMIM, PMID: 20418530). (I) 0200 - Variant is predicted to result in a missense amino acid change from glycine to serine. (I) 0252 - This variant is homozygous. (I) 0301 - Variant is absent from gnomAD (both v2 and v3). (SP) 0501 - Missense variant consistently predicted to be damaging by multiple in silico tools or highly conserved with a major amino acid change. (SP) 0600 - Variant is located in the annotated myosin head domain (DECIPHER). (I) 0705 - No comparable missense variants have previous evidence for pathogenicity. (I) 0807 - This variant has no previous evidence of pathogenicity. (I) 0905 - No published segregation evidence has been identified for this variant. (I) 1007 - No published functional evidence has been identified for this variant. (I) Legend: (SP) - Supporting pathogenic, (I) - Information, (SB) - Supporting benign

CeGaT Center for Human Genetics Tuebingen
Classification: Uncertain significance. Last evaluated: 2022-02-01. Review status: criteria provided, single submitter. Criteria: CeGaT Center For Human Genetics Tuebingen Variant Classification Criteria Version 2. Collection method: clinical testing. Allele origin: germline. Affected: yes. Observed: 1 variant allele.

Literature cited by the submitters: PubMed 11114175 (cited by Victorian Clinical Genetics Services, Murdoch Childrens Research Institute); PubMed 20418530 (cited by Victorian Clinical Genetics Services, Murdoch Childrens Research Institute).

NM_017534.6(MYH2):c.2107G>A (p.Gly703Ser)

Genes: MYH2 (myosin heavy chain 2; minus strand), MYHAS (myosin heavy chain gene cluster antisense RNA; plus strand). Cytogenetic location: 17p13.1.
Variant type: single nucleotide variant.
Coding change: c.2107G>A on transcript NM_017534.6 (MANE Select); coding-DNA position 2107, G replaced by A.
Protein change: p.Gly703Ser; replaces glycine 703 with serine.
Molecular consequence: missense variant.
Genome position (GRCh38, 1-based): chr17:10,535,146, C>T on the plus strand (G>A on the coding strand, the complement: MYH2 is on the minus strand). VCF-style: chr17-10535146-C-T. GRCh37 (hg19) VCF-style: chr17-10438463-C-T.
Other names: c.2107G>A, p.Gly703Ser (NM_001100112.2); c.2107G>A (NM_017534.5); short protein forms G703S.
Identifiers: ClinVar variation 1675659 (VCV001675659.37), dbSNP rs2142307936, ClinGen allele CA398150263.